The following is an entry in ClinVar:

NM_018133.4(MSL2):c.1619G>A (p.Ser540Asn)

Gene: MSL2 (MSL complex subunit 2; minus strand). Cytogenetic location: 3q22.3.
Variant type: single nucleotide variant.
Coding change: c.1619G>A on transcript NM_018133.4 (MANE Select); coding-DNA position 1619, G replaced by A.
Protein change: p.Ser540Asn; replaces serine 540 with asparagine.
Molecular consequence: missense variant.
Genome position (GRCh38, 1-based): chr3:136,151,262, C>T on the plus strand (G>A on the coding strand, the complement: MSL2 is on the minus strand). VCF-style: chr3-136151262-C-T. GRCh37 (hg19) VCF-style: chr3-135870104-C-T.
Other names: c.1397G>A, p.Ser466Asn (NM_001145417.2); short protein forms S466N, S540N.
Identifiers: ClinVar variation 3770473 (VCV003770473.13).
Genomic context (GRCh38, chr3:136,151,262, plus strand): 5'-CTGGCAGCTAAAAACGTCGTTACTGGGGACCCTGTGACATTTATTACACTGGTGCTGGTA[C>T]TAGCGTTACGCACAGCAATGCTAGTCACGTTAATGCCCAAAGTGAGCCTGGTCTGCTCCA-3'
Protein context (NP_060603.2, residues 530-550): NVTSIAVRNA[Ser540Asn]TSTSVINVTG

ClinVar aggregate classification (germline): Likely benign (1 of 4 stars; one submission).

gnomAD v4.1: 12,230 of 1,614,226 alleles (0.76%); highest among the groups gnomAD compares: Non-Finnish European, 0.87%; 68 homozygotes.

Submission:

CeGaT Center for Human Genetics Tuebingen
Classification: Likely benign. Last evaluated: 2026-06-01. Review status: criteria provided, single submitter. Criteria: CeGaT Center For Human Genetics Tuebingen Variant Classification Criteria Version 2. Collection method: clinical testing. Allele origin: germline. Affected: yes. Observed: 10 variant alleles.
Comment: MSL2: BS2